The following is an entry in ClinVar:

ClinVar aggregate classification (germline): Likely benign. Review status: criteria provided, multiple submitters, no conflicts (2 of 4 stars). 2 submissions from 2 submitters: Likely benign (2). Last evaluated 2025-01-07.

Conditions:
Dilated cardiomyopathy 1G (CMD1G). Identifiers: Orphanet 154, MedGen C1858763, MONDO:0011400, OMIM 604145.
Autosomal recessive limb-girdle muscular dystrophy type 2J (LGMDR10). Also called: Limb-girdle muscular dystrophy, type 2J; MUSCULAR DYSTROPHY, LIMB-GIRDLE, AUTOSOMAL RECESSIVE 10. Identifiers: Orphanet 140922, MedGen C1837342, MONDO:0012127, OMIM 608807.

Allele frequency attached by ClinVar (database versions not stated): gnomAD exomes below 0.00001; TOPMed below 0.00001; gnomAD 0.00001.
gnomAD v4.1: 3 of 1,613,350 alleles (0.00019%); highest among the groups gnomAD compares: Non-Finnish European, 0.00025%; no homozygotes.

Submissions (2):

Labcorp Genetics (formerly Invitae), Labcorp
Classification: Likely benign for Dilated cardiomyopathy 1G; Autosomal recessive limb-girdle muscular dystrophy type 2J. Last evaluated: 2025-01-07. Review status: criteria provided, single submitter. Criteria: Invitae Variant Classification Sherloc (09022015). Collection method: clinical testing. Allele origin: germline.

CeGaT Center for Human Genetics Tuebingen
Classification: Likely benign. Last evaluated: 2023-12-01. Review status: criteria provided, single submitter. Criteria: CeGaT Center For Human Genetics Tuebingen Variant Classification Criteria Version 2. Collection method: clinical testing. Allele origin: germline. Affected: yes. Observed: 1 variant allele.
Comment: TTN: BP4, BP7

NM_001267550.2(TTN):c.79596A>G (p.Glu26532=)

Genes: TTN (titin; minus strand), TTN-AS1 (TTN antisense RNA 1; plus strand). Cytogenetic location: 2q31.2.
Variant type: single nucleotide variant.
Coding change: c.79596A>G on transcript NM_001267550.2 (MANE Select); coding-DNA position 79596, A replaced by G.
Protein change: p.Glu26532=; no amino-acid change (glutamic acid 26532 retained).
Molecular consequence: synonymous variant.
Genome position (GRCh38, 1-based): chr2:178,566,536, T>C on the plus strand (A>G on the coding strand, the complement: TTN is on the minus strand). VCF-style: chr2-178566536-T-C. GRCh37 (hg19) VCF-style: chr2-179431263-T-C.
Other names: c.74673A>G, p.Glu24891= (NM_001256850.1); c.52401A>G, p.Glu17467= (NM_003319.4); c.71892A>G, p.Glu23964= (NM_133378.4); c.52776A>G, p.Glu17592= (NM_133432.3); c.52977A>G, p.Glu17659= (NM_133437.4).
Identifiers: ClinVar variation 535511 (VCV000535511.31), dbSNP rs1553588874, ClinGen allele CA430252173.
Genomic context (GRCh38, chr2:178,566,536, plus strand): 5'-TTTTGAAATTTCAAATCGAGTGACTCTCAGGCCAGTCTGTGGAGTAACTATTTGCCATTC[T>C]TCTTCATCTGCTTTACAGATTTCTACTACATATCCCAAGATCTCACTGCCGCCATCATAG-3'
Protein context (NP_001254479.2, residues 26522-26542): YVVEICKADE[Glu26532=]EWQIVTPQTG